The following is an entry in ClinVar:

NM_032043.3(BRIP1):c.2920del (p.Leu974fs)

Gene: BRIP1 (BRCA1 interacting DNA helicase 1; minus strand). Cytogenetic location: 17q23.2.
Variant type: Deletion.
Coding change: c.2920del on transcript NM_032043.3 (MANE Select); coding-DNA position 2920, one base deleted (C; older notation c.2920delC).
Protein change: p.Leu974fs; shifts the reading frame from leucine 974.
Molecular consequence: frameshift variant.
Genome position (GRCh38, 1-based): chr17:61,684,126, G deleted on the plus strand (C on the coding strand, the reverse complement: BRIP1 is on the minus strand); the first of 2 consecutive G bases (chr17:61,684,126-61,684,127); deleting either gives the same sequence. VCF-style (leftmost placement, unchanged base first): chr17-61684125-AG-A. GRCh37 (hg19) VCF-style: chr17-59761486-AG-A.
Other names: short protein forms L974fs.
Identifiers: ClinVar variation 4812971 (VCV004812971.1).

ClinVar aggregate classification (germline): Pathogenic (1 of 4 stars; one submission).

Conditions:
Familial ovarian cancer. Identifiers: MedGen C5679802, MONDO:0016248.

Submission:

Myriad Genetics, Inc.
Classification: Pathogenic for Familial ovarian cancer. Last evaluated: 2025-10-01. Review status: criteria provided, single submitter. Criteria: Myriad Autosomal Dominant, Autosomal Recessive and X-Linked Classification Criteria (2023). Collection method: clinical testing. Allele origin: unknown.
Comment: This variant is considered pathogenic. This variant creates a frameshift predicted to result in premature protein truncation.